The following is an entry in ClinVar:

NM_001042702.5(PJVK):c.206C>G (p.Ser69Ter)

Gene: PJVK (pejvakin; plus strand). Cytogenetic location: 2q31.2.
Variant type: single nucleotide variant.
Coding change: c.206C>G on transcript NM_001042702.5 (MANE Select); coding-DNA position 206, C replaced by G.
Protein change: p.Ser69Ter; replaces serine 69 with a stop codon.
Molecular consequence: nonsense. On other transcripts: 5 prime UTR variant (2).
Genome position (GRCh38, 1-based): chr2:178,453,615, C>G. VCF-style: chr2-178453615-C-G. GRCh37 (hg19) VCF-style: chr2-179318342-C-G.
Other names: c.215C>G, p.Ser72Ter (NM_001353775.2); c.311C>G, p.Ser104Ter (NM_001353776.2); c.-272C>G (NM_001353777.1, NM_001353778.2); c.206C>G, p.Ser69Ter (NM_001369912.1); short protein forms S104*, S69*, S72*.
Identifiers: ClinVar variation 2803977 (VCV002803977.3), dbSNP rs2468705427, ClinGen allele CA349397533.

ClinVar aggregate classification (germline): Pathogenic (1 of 4 stars; one submission).

Allele frequency attached by ClinVar (database versions not stated): gnomAD exomes below 0.00001.
gnomAD v4.1: 1 of 1,611,194 alleles (0.000062%); highest among the groups gnomAD compares: Non-Finnish European, 0.000085%; no homozygotes.

Submission:

Labcorp Genetics (formerly Invitae), Labcorp
Classification: Pathogenic. Last evaluated: 2023-04-12. Review status: criteria provided, single submitter. Criteria: Invitae Variant Classification Sherloc (09022015). Collection method: clinical testing. Allele origin: germline.
Comment: For these reasons, this variant has been classified as Pathogenic. This variant has not been reported in the literature in individuals affected with DFNB59-related conditions. This variant is not present in population databases (gnomAD no frequency). This sequence change creates a premature translational stop signal (p.Ser69*) in the DFNB59 gene. It is expected to result in an absent or disrupted protein product. Loss-of-function variants in DFNB59 are known to be pathogenic (PMID: 17301963, 17718875).

Literature cited by the submitters: PubMed 17301963; PubMed 17718875.